The following is an entry in ClinVar:

ClinVar aggregate classification (germline): Conflicting classifications of pathogenicity. Review status: criteria provided, conflicting classifications (1 of 4 stars). 2 submissions from 2 submitters: Uncertain significance (1); Likely benign (1). Last evaluated 2025-10-02.

Conditions:
Inborn genetic diseases. Identifiers: MedGen C0950123, MeSH D030342.

Allele frequency attached by ClinVar (database versions not stated): ExAC 0.00001; gnomAD 0.00002 and 0.00003; gnomAD exomes 0.00002 and 0.00003; ESP Exome Variant Server 0.00008.
gnomAD v4.1: 32 of 1,614,072 alleles (0.002%); highest among the groups gnomAD compares: East Asian, 0.029%; no homozygotes.

Submissions (2):

Labcorp Genetics (formerly Invitae), Labcorp
Classification: Uncertain significance. Last evaluated: 2025-10-02. Review status: criteria provided, single submitter. Criteria: Invitae Variant Classification Sherloc (09022015). Collection method: clinical testing. Allele origin: germline.
Comment: This sequence change replaces threonine, which is neutral and polar, with methionine, which is neutral and non-polar, at codon 224 of the GPR179 protein (p.Thr224Met). This variant is present in population databases (rs372101002, gnomAD 0.04%). This variant has not been reported in the literature in individuals affected with GPR179-related conditions. ClinVar contains an entry for this variant (Variation ID: 1474154). An algorithm developed to predict the effect of missense changes on protein structure and function outputs the following: PolyPhen-2: "Benign". The methionine amino acid residue is found in multiple mammalian species, which suggests that this missense change does not adversely affect protein function. In summary, the available evidence is currently insufficient to determine the role of this variant in disease. Therefore, it has been classified as a Variant of Uncertain Significance.

Ambry Genetics
Classification: Likely benign for Inborn genetic diseases. Last evaluated: 2023-05-05. Review status: criteria provided, single submitter. Criteria: Ambry Variant Classification Scheme 2023. Collection method: clinical testing. Allele origin: germline.

NM_001004334.4(GPR179):c.671C>T (p.Thr224Met)

Gene: GPR179 (G protein-coupled receptor 179; minus strand). Cytogenetic location: 17q12.
Variant type: single nucleotide variant.
Coding change: c.671C>T on transcript NM_001004334.4 (MANE Select); coding-DNA position 671, C replaced by T.
Protein change: p.Thr224Met; replaces threonine 224 with methionine.
Molecular consequence: missense variant.
Genome position (GRCh38, 1-based): chr17:38,343,119, G>A on the plus strand (C>T on the coding strand, the complement: GPR179 is on the minus strand). VCF-style: chr17-38343119-G-A. GRCh37 (hg19) VCF-style: chr17-36499002-G-A.
Other names: c.671C>T (NM_001004334.2); short protein forms T224M.
Identifiers: ClinVar variation 1474154 (VCV001474154.9), dbSNP rs372101002, ClinGen allele CA290111395.